The following is an entry in ClinVar:

ClinVar aggregate classification (germline): Uncertain significance. Review status: criteria provided, multiple submitters, no conflicts (2 of 4 stars). 3 submissions from 3 submitters: Uncertain significance (3). Last evaluated 2025-08-13.

Conditions:
Senior-Loken syndrome 8 (SLSN8). Identifiers: Orphanet 3156, MedGen C4225376, MONDO:0014579, OMIM 616307.
Spermatogenic failure 72 (SPGF72). Identifiers: MedGen C5676980, MONDO:0030809, OMIM 619867.
Nephronophthisis 13 (NPHP13). Identifiers: Orphanet 655, MedGen C3280612, MONDO:0013718, OMIM 614377.
Asphyxiating thoracic dystrophy 5 (SRTD5). Also called: SHORT-RIB THORACIC DYSPLASIA 5 WITH OR WITHOUT POLYDACTYLY; SHORT-RIB THORACIC DYSPLASIA 5 WITHOUT POLYDACTYLY. Identifiers: Orphanet 474, MedGen C3280598, MONDO:0013717, OMIM 614376.
Cranioectodermal dysplasia 4 (CED4). Identifiers: Orphanet 1515, MedGen C3280616, MONDO:0013719, OMIM 614378.
Inborn genetic diseases. Identifiers: MedGen C0950123, MeSH D030342.

Allele frequency attached by ClinVar (database versions not stated): ESP Exome Variant Server 0.00008.

Submissions (3):

Ambry Genetics
Classification: Uncertain significance for Inborn genetic diseases. Last evaluated: 2025-08-13. Review status: criteria provided, single submitter. Criteria: Ambry Variant Classification Scheme 2023. Collection method: clinical testing. Allele origin: germline.

Labcorp Genetics (formerly Invitae), Labcorp
Classification: Uncertain significance for Senior-Loken syndrome 8; Asphyxiating thoracic dystrophy 5. Last evaluated: 2025-05-29. Review status: criteria provided, single submitter. Criteria: Invitae Variant Classification Sherloc (09022015). Collection method: clinical testing. Allele origin: germline.
Comment: This sequence change replaces arginine, which is basic and polar, with leucine, which is neutral and non-polar, at codon 1174 of the WDR19 protein (p.Arg1174Leu). This variant is not present in population databases (gnomAD no frequency). This variant has not been reported in the literature in individuals affected with WDR19-related conditions. ClinVar contains an entry for this variant (Variation ID: 1491664). Invitae Evidence Modeling of protein sequence and biophysical properties (such as structural, functional, and spatial information, amino acid conservation, physicochemical variation, residue mobility, and thermodynamic stability) has been performed for this missense variant. However, the output from this modeling did not meet the statistical confidence thresholds required to predict the impact of this variant on WDR19 protein function. In summary, the available evidence is currently insufficient to determine the role of this variant in disease. Therefore, it has been classified as a Variant of Uncertain Significance.

Fulgent Genetics
Classification: Uncertain significance for Asphyxiating thoracic dystrophy 5; Nephronophthisis 13; Cranioectodermal dysplasia 4; Senior-Loken syndrome 8; Spermatogenic failure 72. Last evaluated: 2024-05-13. Review status: criteria provided, single submitter. Criteria: ACMG Guidelines, 2015. Collection method: clinical testing. Allele origin: germline.

NM_025132.4(WDR19):c.3521G>T (p.Arg1174Leu)

Gene: WDR19 (WD repeat domain 19; plus strand). Cytogenetic location: 4p14.
Variant type: single nucleotide variant.
Coding change: c.3521G>T on transcript NM_025132.4 (MANE Select); coding-DNA position 3521, G replaced by T.
Protein change: p.Arg1174Leu; replaces arginine 1174 with leucine.
Molecular consequence: missense variant.
Genome position (GRCh38, 1-based): chr4:39,273,017, G>T. VCF-style: chr4-39273017-G-T. GRCh37 (hg19) VCF-style: chr4-39274637-G-T.
Other names: c.3041G>T, p.Arg1014Leu (NM_001317924.2); c.3521G>T (NM_025132.3); short protein forms R1014L, R1174L.
Identifiers: ClinVar variation 1491664 (VCV001491664.8), dbSNP rs372719724, ClinGen allele CA2892409.